The following is an entry in ClinVar:

NM_000138.5(FBN1):c.2129T>C (p.Leu710Pro)

Gene: FBN1 (fibrillin 1; minus strand). Cytogenetic location: 15q21.1.
Variant type: single nucleotide variant.
Coding change: c.2129T>C on transcript NM_000138.5 (MANE Select); coding-DNA position 2129, T replaced by C.
Protein change: p.Leu710Pro; replaces leucine 710 with proline.
Molecular consequence: missense variant.
Genome position (GRCh38, 1-based): chr15:48,499,023, A>G on the plus strand (T>C on the coding strand, the complement: FBN1 is on the minus strand). VCF-style: chr15-48499023-A-G. GRCh37 (hg19) VCF-style: chr15-48791220-A-G.
Other names: c.2129T>C, p.Leu710Pro (NM_001406716.1); short protein forms L710P.
Identifiers: ClinVar variation 4853330 (VCV004853330.1).
Genomic context (GRCh38, chr15:48,499,023, plus strand): 5'-AAATTTTGAAAGGAATCCTTACCACTGCCTGCTGACGTCATTCCTGGCCCACTGCTGCAG[A>G]GTGCCTGATATTCCGCTGCAATAAATTAACAGATAGTAAATGATTCCCTTGTTTGCAGAA-3'
Protein context (NP_000129.3, residues 700-720): PAQNSAEYQA[Leu710Pro]CSSGPGMTSA

ClinVar aggregate classification (germline): Uncertain significance (1 of 4 stars; one submission).

Submission:

Women's Health and Genetics/Laboratory Corporation of America, LabCorp
Classification: Uncertain significance. Last evaluated: 2026-05-11. Review status: criteria provided, single submitter. Criteria: LabCorp Variant Classification Summary - May 2015. Collection method: clinical testing. Allele origin: germline.
Comment: Variant summary: FBN1 c.2129T>C (p.Leu710Pro) results in a non-conservative amino acid change in the encoded protein sequence. Algorithms developed to predict the effect of missense changes on protein structure and function all suggest that this variant is likely to be disruptive. The variant was absent in 251490 control chromosomes. The available data on variant occurrences in the general population are insufficient to allow any conclusion about variant significance. To our knowledge, no occurrence of c.2129T>C in individuals affected with FBN1-related conditions and no experimental evidence demonstrating its impact on protein function have been reported. No submitters have cited clinical-significance assessments for this variant to ClinVar. Based on the evidence outlined above, the variant was classified as uncertain significance.